The following is an entry in ClinVar:

ClinVar aggregate classification (germline): Likely benign (0 of 4 stars; one submission).

Conditions:
SIM1-related disorder. Also called: SIM1-related disorders; SIM1-related condition.

Allele frequency attached by ClinVar (database versions not stated): TOPMed below 0.00001; ExAC 0.00001.
gnomAD v4.1: 8 of 1,614,126 alleles (0.0005%); highest among the groups gnomAD compares: Middle Eastern, 0.033%; no homozygotes.

Submission:

PreventionGenetics, part of Exact Sciences
Classification: Likely benign for SIM1-related condition. Last evaluated: 2023-03-01. Review status: no assertion criteria provided. Collection method: clinical testing. Allele origin: germline.
Comment: This variant is classified as likely benign based on ACMG/AMP sequence variant interpretation guidelines (Richards et al. 2015 PMID: 25741868, with internal and published modifications).

NM_005068.3(SIM1):c.2178C>T (p.Thr726=)

Gene: SIM1 (SIM bHLH transcription factor 1; minus strand). Cytogenetic location: 6q16.3.
Variant type: single nucleotide variant.
Coding change: c.2178C>T on transcript NM_005068.3 (MANE Select); coding-DNA position 2178, C replaced by T.
Protein change: p.Thr726=; no amino-acid change (threonine 726 retained).
Molecular consequence: synonymous variant.
Genome position (GRCh38, 1-based): chr6:100,390,484, G>A on the plus strand (C>T on the coding strand, the complement: SIM1 is on the minus strand). VCF-style: chr6-100390484-G-A. GRCh37 (hg19) VCF-style: chr6-100838360-G-A.
Other names: c.2178C>T, p.Thr726= (NM_001374769.1).
Identifiers: ClinVar variation 3054160 (VCV003054160.2), dbSNP rs770069371, ClinGen allele CA3936856.